The following is an entry in ClinVar:

NM_002485.5(NBN):c.1644dup (p.Lys549Ter)

Gene: NBN (nibrin; minus strand). Cytogenetic location: 8q21.3.
Variant type: Duplication.
Coding change: c.1644dup on transcript NM_002485.5 (MANE Select); coding-DNA position 1644, one base duplicated (T; older notation c.1644dupT).
Protein change: p.Lys549Ter; replaces lysine 549 with a stop codon.
Molecular consequence: nonsense.
Genome position (GRCh38, 1-based): chr8:89,953,445, A duplicated on the plus strand (T on the coding strand, the reverse complement: NBN is on the minus strand). VCF-style (leftmost placement, unchanged base first): chr8-89953444-T-TA. GRCh37 (hg19) VCF-style: chr8-90965672-T-TA.
Other names: c.1398dup, p.Lys467Ter (NM_001024688.3); short protein forms K467*, K549*.
Identifiers: ClinVar variation 1382638 (VCV001382638.6), dbSNP rs2129699596, ClinGen allele CA2573143367.
Genomic context (GRCh38, chr8:89,953,444, plus strand): 5'-CCTTGAATAACTGTTCCAATACTTCATCTTCTATGGCCACATCATCCATTTCCCTTTTTT[T>TA]ATTTGATCTTAGCTTTTCTGCAGCATGAGATTTACTGGCAGAATTTTTCACAATAGATTT-3'

ClinVar aggregate classification (germline): Pathogenic (1 of 4 stars; one submission).

Conditions:
Microcephaly, normal intelligence and immunodeficiency (NBS). Also called: BERLIN BREAKAGE SYNDROME; Immunodeficiency, microcephaly with normal intelligence; Ataxia telangiectasia variant V1; SEEMANOVA SYNDROME II; Nijmegen breakage syndrome; Microcephaly with normal intelligence immunodeficiency and lymphoreticular malignancies. Identifiers: Orphanet 647, MedGen C0398791, MONDO:0009623, OMIM 251260.

Submission:

Labcorp Genetics (formerly Invitae), Labcorp
Classification: Pathogenic for Microcephaly, normal intelligence and immunodeficiency. Last evaluated: 2025-04-28. Review status: criteria provided, single submitter. Criteria: Invitae Variant Classification Sherloc (09022015). Collection method: clinical testing. Allele origin: germline.
Comment: This sequence change creates a premature translational stop signal (p.Lys549*) in the NBN gene. It is expected to result in an absent or disrupted protein product. Loss-of-function variants in NBN are known to be pathogenic (PMID: 9590180, 16415040). This variant is not present in population databases (gnomAD no frequency). This variant has not been reported in the literature in individuals affected with NBN-related conditions. ClinVar contains an entry for this variant (Variation ID: 1382638). For these reasons, this variant has been classified as Pathogenic.

Literature cited by the submitters: PubMed 9590180; PubMed 16415040.